The following is an entry in ClinVar:

ClinVar aggregate classification (germline): Uncertain significance (1 of 4 stars; one submission).

Conditions:
Early Myoclonic Encephalopathy. Identifiers: MedGen C0270855.

Allele frequency attached by ClinVar (database versions not stated): TOPMed below 0.00001; gnomAD exomes below 0.00001.
gnomAD v4.1: 6 of 1,614,144 alleles (0.00037%); highest among the groups gnomAD compares: Non-Finnish European, 0.00051%; no homozygotes.

Submission:

Labcorp Genetics (formerly Invitae), Labcorp
Classification: Uncertain significance for Early Myoclonic Encephalopathy. Last evaluated: 2023-02-03. Review status: criteria provided, single submitter. Criteria: Invitae Variant Classification Sherloc (09022015). Collection method: clinical testing. Allele origin: germline.
Comment: In summary, the available evidence is currently insufficient to determine the role of this variant in disease. Therefore, it has been classified as a Variant of Uncertain Significance. Advanced modeling of protein sequence and biophysical properties (such as structural, functional, and spatial information, amino acid conservation, physicochemical variation, residue mobility, and thermodynamic stability) performed at Invitae indicates that this missense variant is not expected to disrupt KCND2 protein function. ClinVar contains an entry for this variant (Variation ID: 654476). This variant has not been reported in the literature in individuals affected with KCND2-related conditions. This variant is not present in population databases (gnomAD no frequency). This sequence change replaces arginine, which is basic and polar, with cysteine, which is neutral and slightly polar, at codon 108 of the KCND2 protein (p.Arg108Cys).

NM_012281.3(KCND2):c.322C>T (p.Arg108Cys)

Gene: KCND2 (potassium voltage-gated channel subfamily D member 2; plus strand). Cytogenetic location: 7q31.31.
Variant type: single nucleotide variant.
Coding change: c.322C>T on transcript NM_012281.3 (MANE Select); coding-DNA position 322, C replaced by T.
Protein change: p.Arg108Cys; replaces arginine 108 with cysteine.
Molecular consequence: missense variant.
Genome position (GRCh38, 1-based): chr7:120,274,954, C>T. VCF-style: chr7-120274954-C-T. GRCh37 (hg19) VCF-style: chr7-119915008-C-T.
Other names: short protein forms R108C.
Identifiers: ClinVar variation 654476 (VCV000654476.8), dbSNP rs763189187, ClinGen allele CA369131337.